The following is an entry in ClinVar:

ClinVar aggregate classification (germline): Conflicting classifications of pathogenicity. Review status: criteria provided, conflicting classifications (1 of 4 stars). 4 submissions from 4 submitters: Uncertain significance (1); Likely benign (3). Last evaluated 2026-01-13.

Conditions:
Nemaline myopathy 2 (NEM2). Also called: Nemaline myopathy 2, autosomal recessive. Identifiers: MedGen C1850569, MONDO:0009725, OMIM 256030.
NEB-related disorder. Also called: NEB-related condition; NEB-Related Disorders.

Allele frequency attached by ClinVar (database versions not stated): gnomAD exomes 0.00007 and 0.00015; ExAC 0.00033; 1000 Genomes Project 30x 0.00047; 1000 Genomes Project 0.00060; gnomAD 0.00066 and 0.00069; TOPMed 0.00075; ESP Exome Variant Server 0.00076.
gnomAD v4.1: 216 of 1,570,726 alleles (0.014%); highest among the groups gnomAD compares: African/African-American, 0.25%; no homozygotes.

Submissions (4):

Labcorp Genetics (formerly Invitae), Labcorp
Classification: Likely benign for Nemaline myopathy 2. Last evaluated: 2026-01-13. Review status: criteria provided, single submitter. Criteria: Invitae Variant Classification Sherloc (09022015). Collection method: clinical testing. Allele origin: germline.

PreventionGenetics, part of Exact Sciences
Classification: Likely benign for NEB-related condition. Last evaluated: 2025-02-18. Review status: criteria provided, single submitter. Criteria: ACMG Guidelines, 2015. Collection method: clinical testing. Allele origin: germline.
Comment: This variant is classified as likely benign based on ACMG/AMP sequence variant interpretation guidelines (Richards et al. 2015 PMID: 25741868, with internal and published modifications).

Blueprint Genetics
Classification: Likely benign. Last evaluated: 2024-09-16. Review status: criteria provided, single submitter. Criteria: ACMG Guidelines, 2015. Collection method: clinical testing. Allele origin: germline.

Eurofins Ntd Llc (ga)
Classification: Uncertain significance. Last evaluated: 2016-08-23. Review status: criteria provided, single submitter. Criteria: EGL Classification Definitions 2015. Collection method: clinical testing. Allele origin: germline. Observed: 1 variant allele, 1 heterozygote.

NM_001164508.2(NEB):c.2416-6G>T

Gene: NEB (nebulin; minus strand). Cytogenetic location: 2q23.3.
Variant type: single nucleotide variant.
Coding change: c.2416-6G>T on transcript NM_001164508.2 (MANE Select); 6 bases into the intron before coding-DNA position 2416, G replaced by T.
Molecular consequence: intron variant.
Genome position (GRCh38, 1-based): chr2:151,687,739, C>A on the plus strand (G>T on the coding strand, the complement: NEB is on the minus strand). VCF-style: chr2-151687739-C-A. GRCh37 (hg19) VCF-style: chr2-152544253-C-A.
Other names: c.2416-6G>T (NM_004543.5, NM_001164507.2, NM_001271208.2).
Identifiers: ClinVar variation 289233 (VCV000289233.17), dbSNP rs185433570, ClinGen allele CA1911220.